The following is an entry in ClinVar:

NM_001972.4(ELANE):c.464G>T (p.Gly155Val)

Gene: ELANE (elastase, neutrophil expressed; plus strand). Cytogenetic location: 19p13.3.
Variant type: single nucleotide variant.
Coding change: c.464G>T on transcript NM_001972.4 (MANE Select); coding-DNA position 464, G replaced by T.
Protein change: p.Gly155Val; replaces glycine 155 with valine.
Molecular consequence: missense variant.
Genome position (GRCh38, 1-based): chr19:855,661, G>T. VCF-style: chr19-855661-G-T. GRCh37 (hg19) VCF-style: chr19-855661-G-T.
Other names: short protein forms G155V.
Identifiers: ClinVar variation 4017361 (VCV004017361.2).

ClinVar aggregate classification (germline): Uncertain significance. Review status: criteria provided, multiple submitters, no conflicts (2 of 4 stars). 2 submissions from 2 submitters: Uncertain significance (2). Last evaluated 2025-12-06.

Conditions:
Inborn genetic diseases. Identifiers: MedGen C0950123, MeSH D030342.
Neutropenia, severe congenital, 1, autosomal dominant. Identifiers: MedGen C1859966, MONDO:0042490, OMIM 202700.
Cyclical neutropenia. Also called: Cyclic hematopoiesis; Cyclic Neutropenia. Identifiers: Orphanet 2686, MedGen C0221023, MONDO:0008090, OMIM 162800, HP:0040289. Disease mechanism: loss of function.

Submissions (2):

Labcorp Genetics (formerly Invitae), Labcorp
Classification: Uncertain significance for Neutropenia, severe congenital, 1, autosomal dominant; Cyclical neutropenia. Last evaluated: 2025-12-06. Review status: criteria provided, single submitter. Criteria: Invitae Variant Classification Sherloc (09022015). Collection method: clinical testing. Allele origin: germline.
Comment: This sequence change replaces glycine, which is neutral and non-polar, with valine, which is neutral and non-polar, at codon 155 of the ELANE protein (p.Gly155Val). This variant is not present in population databases (gnomAD no frequency). This variant has not been reported in the literature in individuals affected with ELANE-related conditions. ClinVar contains an entry for this variant (Variation ID: 4017361). Invitae Evidence Modeling of protein sequence and biophysical properties (such as structural, functional, and spatial information, amino acid conservation, physicochemical variation, residue mobility, and thermodynamic stability) indicates that this missense variant is expected to disrupt ELANE protein function with a positive predictive value of 95%. In summary, the available evidence is currently insufficient to determine the role of this variant in disease. Therefore, it has been classified as a Variant of Uncertain Significance.

Ambry Genetics
Classification: Uncertain significance for Inborn genetic diseases. Last evaluated: 2025-03-22. Review status: criteria provided, single submitter. Criteria: Ambry Variant Classification Scheme 2023. Collection method: clinical testing. Allele origin: germline.
Comment: The p.G155V variant (also known as c.464G>T), located in coding exon 4 of the ELANE gene, results from a G to T substitution at nucleotide position 464. The glycine at codon 155 is replaced by valine, an amino acid with dissimilar properties. This amino acid position is conserved. In addition, this alteration is predicted to be deleterious by in silico analysis. Based on the available evidence, the clinical significance of this variant remains unclear.